The following is an entry in ClinVar:

NM_001105206.3(LAMA4):c.2017C>T (p.Leu673Phe)

Gene: LAMA4 (laminin subunit alpha 4; minus strand). Cytogenetic location: 6q21.
Variant type: single nucleotide variant.
Coding change: c.2017C>T on transcript NM_001105206.3 (MANE Select); coding-DNA position 2017, C replaced by T.
Protein change: p.Leu673Phe; replaces leucine 673 with phenylalanine.
Molecular consequence: missense variant.
Genome position (GRCh38, 1-based): chr6:112,154,890, G>A on the plus strand (C>T on the coding strand, the complement: LAMA4 is on the minus strand). VCF-style: chr6-112154890-G-A. GRCh37 (hg19) VCF-style: chr6-112476092-G-A.
Other names: c.1996C>T, p.Leu666Phe (NM_001105207.3, NM_002290.5); short protein forms L666F, L673F.
Identifiers: ClinVar variation 1784056 (VCV001784056.7), dbSNP rs1780613184, ClinGen allele CA365363920.

ClinVar aggregate classification (germline): Uncertain significance. Review status: criteria provided, multiple submitters, no conflicts (2 of 4 stars). 2 submissions from 2 submitters: Uncertain significance (2). Last evaluated 2022-03-25.

Conditions:
Cardiovascular phenotype. Identifiers: MedGen CN230736.
Dilated cardiomyopathy 1JJ (CMD1JJ). Identifiers: Orphanet 154, MedGen C3808935, MONDO:0014095, OMIM 615235.

Allele frequency attached by ClinVar (database versions not stated): gnomAD exomes below 0.00001; gnomAD 0.00001.
gnomAD v4.1: 2 of 1,613,236 alleles (0.00012%); highest among the groups gnomAD compares: African/African-American, 0.0013%; no homozygotes.

Submissions (2):

Labcorp Genetics (formerly Invitae), Labcorp
Classification: Uncertain significance for Dilated cardiomyopathy 1JJ. Last evaluated: 2022-03-25. Review status: criteria provided, single submitter. Criteria: Invitae Variant Classification Sherloc (09022015). Collection method: clinical testing. Allele origin: germline.
Comment: In summary, the available evidence is currently insufficient to determine the role of this variant in disease. Therefore, it has been classified as a Variant of Uncertain Significance. Algorithms developed to predict the effect of missense changes on protein structure and function are either unavailable or do not agree on the potential impact of this missense change (SIFT: "Tolerated"; PolyPhen-2: "Probably Damaging"; Align-GVGD: "Class C0"). This variant has not been reported in the literature in individuals affected with LAMA4-related conditions. This variant is not present in population databases (gnomAD no frequency). This sequence change replaces leucine, which is neutral and non-polar, with phenylalanine, which is neutral and non-polar, at codon 666 of the LAMA4 protein (p.Leu666Phe).

Ambry Genetics
Classification: Uncertain significance for Cardiovascular phenotype. Last evaluated: 2017-10-26. Review status: criteria provided, single submitter. Criteria: Ambry Variant Classification Scheme 2023. Collection method: clinical testing. Allele origin: germline.
Comment: The p.L666F variant (also known as c.1996C>T), located in coding exon 15 of the LAMA4 gene, results from a C to T substitution at nucleotide position 1996. The leucine at codon 666 is replaced by phenylalanine, an amino acid with highly similar properties. This amino acid position is highly conserved in available vertebrate species. In addition, this alteration is predicted to be tolerated by in silico analysis. Since supporting evidence is limited at this time, the clinical significance of this alteration remains unclear.